The following is an entry in ClinVar:

NM_182760.4(SUMF1):c.367G>A (p.Ala123Thr)

Gene: SUMF1 (sulfatase modifying factor 1; minus strand). Cytogenetic location: 3p26.1.
Variant type: single nucleotide variant.
Coding change: c.367G>A on transcript NM_182760.4 (MANE Select); coding-DNA position 367, G replaced by A.
Protein change: p.Ala123Thr; replaces alanine 123 with threonine.
Molecular consequence: missense variant.
Genome position (GRCh38, 1-based): chr3:4,452,953, C>T on the plus strand (G>A on the coding strand, the complement: SUMF1 is on the minus strand). VCF-style: chr3-4452953-C-T. GRCh37 (hg19) VCF-style: chr3-4494637-C-T.
Other names: c.367G>A, p.Ala123Thr (NM_001164674.2, NM_001164675.2); short protein forms A123T.
Identifiers: ClinVar variation 2173309 (VCV002173309.3), dbSNP rs181230899, ClinGen allele CA2230628.
Genomic context (GRCh38, chr3:4,452,953, plus strand): 5'-TTGAGTTCACAAACTTCTCAAATTCAGTATTACTGACTTCATAGGCATCCATGTAAAAGG[C>T]ATCAATAGTAACTCTCCTCGCAGGTGCTTCCCCATCCTGCTTTATCTGAGGATCATCTGT-3'
Protein context (NP_877437.2, residues 113-133): EAPARRVTID[Ala123Thr]FYMDAYEVSN

ClinVar aggregate classification (germline): Uncertain significance (1 of 4 stars; one submission).

Conditions:
Multiple sulfatase deficiency (MSD). Also called: Multiple Sulfatase Deficiency Disease; Sulfatidosis, Juvenile, Austin Type; Mucosulfatidosis. Identifiers: Orphanet 585, MedGen C0268263, MONDO:0010088, OMIM 272200.

Allele frequency attached by ClinVar (database versions not stated): gnomAD 0.00001; ExAC 0.00002; 1000 Genomes Project 30x 0.00016; 1000 Genomes Project 0.00020.

Submission:

Labcorp Genetics (formerly Invitae), Labcorp
Classification: Uncertain significance for Multiple sulfatase deficiency. Last evaluated: 2024-04-05. Review status: criteria provided, single submitter. Criteria: Invitae Variant Classification Sherloc (09022015). Collection method: clinical testing. Allele origin: germline.
Comment: This sequence change replaces alanine, which is neutral and non-polar, with threonine, which is neutral and polar, at codon 123 of the SUMF1 protein (p.Ala123Thr). This variant is present in population databases (rs181230899, gnomAD 0.003%). This variant has not been reported in the literature in individuals affected with SUMF1-related conditions. ClinVar contains an entry for this variant (Variation ID: 2173309). Advanced modeling of protein sequence and biophysical properties (such as structural, functional, and spatial information, amino acid conservation, physicochemical variation, residue mobility, and thermodynamic stability) performed at Invitae indicates that this missense variant is not expected to disrupt SUMF1 protein function with a negative predictive value of 80%. In summary, the available evidence is currently insufficient to determine the role of this variant in disease. Therefore, it has been classified as a Variant of Uncertain Significance.